The following is an entry in ClinVar:

NM_001393997.1(CCAR2):c.1479G>A (p.Thr493=)

Gene: CCAR2 (cell cycle and apoptosis regulator 2; plus strand). Cytogenetic location: 8p21.3.
Variant type: single nucleotide variant.
Coding change: c.1479G>A on transcript NM_001393997.1 (MANE Select); coding-DNA position 1479, G replaced by A.
Protein change: p.Thr493=; no amino-acid change (threonine 493 retained).
Molecular consequence: synonymous variant.
Genome position (GRCh38, 1-based): chr8:22,615,783, G>A. VCF-style: chr8-22615783-G-A. GRCh37 (hg19) VCF-style: chr8-22473296-G-A.
Other names: c.1479G>A, p.Thr493= (NM_001363068.2, NM_001363069.2, NM_021174.6).
Identifiers: ClinVar variation 3044821 (VCV003044821.2), dbSNP rs138444882, ClinGen allele CA4670789.

ClinVar aggregate classification (germline): Likely benign (0 of 4 stars; one submission).

Conditions:
CCAR2-related disorder. Also called: CCAR2-related condition.

Allele frequency attached by ClinVar (database versions not stated): gnomAD 0.00017; TOPMed 0.00017; ExAC 0.00023; 1000 Genomes Project 0.00060; 1000 Genomes Project 30x 0.00062.
gnomAD v4.1: 192 of 1,613,928 alleles (0.012%); highest among the groups gnomAD compares: East Asian, 0.11%; no homozygotes.

Submission:

PreventionGenetics, part of Exact Sciences
Classification: Likely benign for CCAR2-related condition. Last evaluated: 2019-05-24. Review status: no assertion criteria provided. Collection method: clinical testing. Allele origin: germline.
Comment: This variant is classified as likely benign based on ACMG/AMP sequence variant interpretation guidelines (Richards et al. 2015 PMID: 25741868, with internal and published modifications).